The following is an entry in ClinVar:

NM_004738.5(VAPB):c.482T>C (p.Leu161Ser)

Gene: VAPB (VAMP associated protein B and C; plus strand). Cytogenetic location: 20q13.32.
Variant type: single nucleotide variant.
Coding change: c.482T>C on transcript NM_004738.5 (MANE Select); coding-DNA position 482, T replaced by C.
Protein change: p.Leu161Ser; replaces leucine 161 with serine.
Molecular consequence: missense variant. On other transcripts: non-coding transcript variant (1), intron variant (1).
Genome position (GRCh38, 1-based): chr20:58,440,992, T>C. VCF-style: chr20-58440992-T-C. GRCh37 (hg19) VCF-style: chr20-57016048-T-C.
Other names: c.212-3085T>C (NM_001195677.2); short protein forms L161S.
Identifiers: ClinVar variation 534271 (VCV000534271.9), dbSNP rs1555815825, ClinGen allele CA409439684.

ClinVar aggregate classification (germline): Uncertain significance (1 of 4 stars; one submission).

Conditions:
Amyotrophic lateral sclerosis type 8 (ALS8). Identifiers: Orphanet 803, MedGen C1837728, MONDO:0012077, OMIM 608627.
Adult-onset proximal spinal muscular atrophy, autosomal dominant. Also called: FINKEL LATE-ADULT TYPE SMA; Spinal muscular atrophy, late-onset, finkel type. Identifiers: Orphanet 209335, MedGen C1854058, MONDO:0008453, OMIM 182980.

Submission:

Labcorp Genetics (formerly Invitae), Labcorp
Classification: Uncertain significance for Adult-onset proximal spinal muscular atrophy, autosomal dominant; Amyotrophic lateral sclerosis type 8. Last evaluated: 2017-10-30. Review status: criteria provided, single submitter. Criteria: Invitae Variant Classification Sherloc (09022015). Collection method: clinical testing. Allele origin: germline.
Comment: In summary, the available evidence is currently insufficient to determine the role of this variant in disease. Therefore, it has been classified as a Variant of Uncertain Significance. Algorithms developed to predict the effect of missense changes on protein structure and function do not agree on the potential impact of this missense change (SIFT: "Deleterious"; PolyPhen-2: "Possibly Damaging"; Align-GVGD: "Class C0"). This variant has not been reported in the literature in individuals with VAPB-related disease. This variant is not present in population databases (ExAC no frequency). This sequence change replaces leucine with serine at codon 161 of the VAPB protein (p.Leu161Ser). The leucine residue is moderately conserved and there is a large physicochemical difference between leucine and serine.